The following is an entry in ClinVar:

ClinVar aggregate classification (germline): Uncertain significance (1 of 4 stars; one submission).

Submission:

CeGaT Center for Human Genetics Tuebingen
Classification: Uncertain significance. Last evaluated: 2026-07-01. Review status: criteria provided, single submitter. Criteria: CeGaT Center For Human Genetics Tuebingen Variant Classification Criteria Version 2. Collection method: clinical testing. Allele origin: germline. Affected: yes. Observed: 1 variant allele.
Comment: CYCS: PM2

NM_018947.6(CYCS):c.116G>T (p.Arg39Leu)

Gene: CYCS (cytochrome c, somatic; minus strand). Cytogenetic location: 7p15.3.
Variant type: single nucleotide variant.
Coding change: c.116G>T on transcript NM_018947.6 (MANE Select); coding-DNA position 116, G replaced by T.
Protein change: p.Arg39Leu; replaces arginine 39 with leucine.
Molecular consequence: missense variant.
Genome position (GRCh38, 1-based): chr7:25,124,004, C>A on the plus strand (G>T on the coding strand, the complement: CYCS is on the minus strand). VCF-style: chr7-25124004-C-A. GRCh37 (hg19) VCF-style: chr7-25163623-C-A.
Other names: short protein forms R39L.
Identifiers: ClinVar variation 5040205 (VCV005040205.1).